The following is an entry in ClinVar:

NM_001365088.1(SLC12A6):c.3075A>C (p.Leu1025=)

Gene: SLC12A6 (solute carrier family 12 member 6; minus strand). Cytogenetic location: 15q14.
Variant type: single nucleotide variant.
Coding change: c.3075A>C on transcript NM_001365088.1 (MANE Select); coding-DNA position 3075, A replaced by C.
Protein change: p.Leu1025=; no amino-acid change (leucine 1025 retained).
Molecular consequence: synonymous variant.
Genome position (GRCh38, 1-based): chr15:34,236,167, T>G on the plus strand (A>C on the coding strand, the complement: SLC12A6 is on the minus strand). VCF-style: chr15-34236167-T-G. GRCh37 (hg19) VCF-style: chr15-34528368-T-G.
Other names: c.2898A>C, p.Leu966= (NM_001042494.2, NM_001042495.2); c.3048A>C, p.Leu1016= (NM_001042496.2); c.3030A>C, p.Leu1010= (NM_001042497.2); c.2922A>C, p.Leu974= (NM_005135.2); c.3075A>C, p.Leu1025= (NM_133647.2).
Identifiers: ClinVar variation 710274 (VCV000710274.12), dbSNP rs758095344, ClinGen allele CA7463928.

ClinVar aggregate classification (germline): Likely benign. Review status: criteria provided, multiple submitters, no conflicts (2 of 4 stars). 3 submissions from 3 submitters: Likely benign (3). Last evaluated 2026-08-21.

Conditions:
SLC12A6-related disorder. Also called: SLC12A6-related condition.

Allele frequency attached by ClinVar (database versions not stated): gnomAD exomes 0.00003 and 0.00007; TOPMed 0.00005; ExAC 0.00006; gnomAD 0.00006.
gnomAD v4.1: 108 of 1,613,712 alleles (0.0067%); highest among the groups gnomAD compares: Non-Finnish European, 0.0085%; 1 homozygote.

Submissions (3):

PreventionGenetics, part of Exact Sciences
Classification: Likely benign for SLC12A6-related condition. Last evaluated: 2026-08-21. Review status: criteria provided, single submitter. Criteria: ACMG Guidelines, 2015. Collection method: clinical testing. Allele origin: germline.
Comment: This variant is classified as likely benign based on ACMG/AMP sequence variant interpretation guidelines (Richards et al. 2015 PMID: 25741868, with internal and published modifications).

Women's Health and Genetics/Laboratory Corporation of America, LabCorp
Classification: Likely benign. Last evaluated: 2026-04-07. Review status: criteria provided, single submitter. Criteria: LabCorp Variant Classification Summary - May 2015. Collection method: clinical testing. Allele origin: germline.

Labcorp Genetics (formerly Invitae), Labcorp
Classification: Likely benign. Last evaluated: 2026-01-25. Review status: criteria provided, single submitter. Criteria: Invitae Variant Classification Sherloc (09022015). Collection method: clinical testing. Allele origin: germline.